The following is an entry in ClinVar:

ClinVar aggregate classification (germline): Uncertain significance (1 of 4 stars; one submission).

Submission:

GeneDx
Classification: Uncertain significance. Last evaluated: 2025-03-18. Review status: criteria provided, single submitter. Criteria: GeneDx Variant Classification Process June 2021. Collection method: clinical testing. Allele origin: germline. Affected: yes.
Comment: Not observed at significant frequency in large population cohorts (gnomAD); Missense variant in a gene in which most reported pathogenic variants are truncating/loss of function; Has not been previously published as pathogenic or benign to our knowledge

NM_001267550.2(TTN):c.31891A>G (p.Ile10631Val)

Gene: TTN (titin; minus strand). Cytogenetic location: 2q31.2.
Variant type: single nucleotide variant.
Coding change: c.31891A>G on transcript NM_001267550.2 (MANE Select); coding-DNA position 31891, A replaced by G.
Protein change: p.Ile10631Val; replaces isoleucine 10631 with valine.
Molecular consequence: missense variant. On other transcripts: intron variant (3).
Genome position (GRCh38, 1-based): chr2:178,689,551, T>C on the plus strand (A>G on the coding strand, the complement: TTN is on the minus strand). VCF-style: chr2-178689551-T-C. GRCh37 (hg19) VCF-style: chr2-179554278-T-C.
Other names: c.30940A>G, p.Ile10314Val (NM_001256850.1); c.28159A>G, p.Ile9387Val (NM_133378.4); c.13283-47234A>G (NM_003319.4); c.13859-47234A>G (NM_133437.4); c.13658-47234A>G (NM_133432.3); short protein forms I10314V, I10631V, I9387V.
Identifiers: ClinVar variation 4086568 (VCV004086568.1).
Genomic context (GRCh38, chr2:178,689,551, plus strand): 5'-TTTCATGGAGATGGGATTAAGTACCTGCTGGTGGTGGAGATTCCTCTCTTTGAGTTACAA[T>C]GGTTATTTTTTCTTCTGTCACAACTCCCTTCTGTACTTCAGGAACTTGAAGAGACATTTT-3'
Protein context (NP_001254479.2, residues 10621-10641): KGVVTEEKIT[Ile10631Val]VTQREESPPP